The following is an entry in ClinVar:

NM_001199138.2(NLRC4):c.2744A>G (p.Lys915Arg)

Gene: NLRC4 (NLR family CARD domain containing 4; minus strand). Cytogenetic location: 2p22.3.
Variant type: single nucleotide variant.
Coding change: c.2744A>G on transcript NM_001199138.2 (MANE Select); coding-DNA position 2744, A replaced by G.
Protein change: p.Lys915Arg; replaces lysine 915 with arginine.
Molecular consequence: missense variant.
Genome position (GRCh38, 1-based): chr2:32,235,439, T>C on the plus strand (A>G on the coding strand, the complement: NLRC4 is on the minus strand). VCF-style: chr2-32235439-T-C. GRCh37 (hg19) VCF-style: chr2-32460508-T-C.
Other names: c.2744A>G, p.Lys915Arg (NM_001199139.2, NM_021209.5); c.749A>G, p.Lys250Arg (NM_001302504.2); short protein forms K250R, K915R.
Identifiers: ClinVar variation 3756933 (VCV003756933.2).
Genomic context (GRCh38, chr2:32,235,439, plus strand): 5'-GGCTCTGTATGTGTGTACCTACCTAAAATTCTAATCTCTGTATCTGTGAGTCTCCAGTTT[T>C]TCAACCCAAGCTTGACGAGTTGTGGGACCTCCTCCAAATGTTTCAACAGGCTGCTCAGGC-3'
Protein context (NP_001186067.1, residues 905-925): EVPQLVKLGL[Lys915Arg]NWRLTDTEIR

ClinVar aggregate classification (germline): Uncertain significance (1 of 4 stars; one submission).

Conditions:
Periodic fever-infantile enterocolitis-autoinflammatory syndrome. Also called: Autoinflammation with infantile enterocolitis. Identifiers: Orphanet 436166, MedGen C4015067, MONDO:0014472, OMIM 616050.
Familial cold autoinflammatory syndrome 4 (FCAS4). Identifiers: Orphanet 47045, Orphanet 576349, MedGen C4015276, MONDO:0014498, OMIM 616115.

Submission:

Labcorp Genetics (formerly Invitae), Labcorp
Classification: Uncertain significance for Periodic fever-infantile enterocolitis-autoinflammatory syndrome; Familial cold autoinflammatory syndrome 4. Last evaluated: 2024-06-29. Review status: criteria provided, single submitter. Criteria: Invitae Variant Classification Sherloc (09022015). Collection method: clinical testing. Allele origin: germline.
Comment: This sequence change replaces lysine, which is basic and polar, with arginine, which is basic and polar, at codon 915 of the NLRC4 protein (p.Lys915Arg). This variant is not present in population databases (gnomAD no frequency). This variant has not been reported in the literature in individuals affected with NLRC4-related conditions. Advanced modeling of protein sequence and biophysical properties (such as structural, functional, and spatial information, amino acid conservation, physicochemical variation, residue mobility, and thermodynamic stability) performed at Invitae indicates that this missense variant is not expected to disrupt NLRC4 protein function with a negative predictive value of 80%. In summary, the available evidence is currently insufficient to determine the role of this variant in disease. Therefore, it has been classified as a Variant of Uncertain Significance.